The following is an entry in ClinVar:

ClinVar aggregate classification (germline): Uncertain significance (1 of 4 stars; one submission).

Conditions:
Rhabdoid tumor predisposition syndrome 2 (RTPS2). Identifiers: Orphanet 231108, Orphanet 69077, MedGen C2750074, MONDO:0013224, OMIM 613325.

gnomAD v4.1: 1 of 1,614,152 alleles (0.000062%); highest among the groups gnomAD compares: Admixed American, 0.0017%; no homozygotes.

Submission:

Labcorp Genetics (formerly Invitae), Labcorp
Classification: Uncertain significance for Rhabdoid tumor predisposition syndrome 2. Last evaluated: 2023-03-28. Review status: criteria provided, single submitter. Criteria: Invitae Variant Classification Sherloc (09022015). Collection method: clinical testing. Allele origin: germline.
Comment: In summary, the available evidence is currently insufficient to determine the role of this variant in disease. Therefore, it has been classified as a Variant of Uncertain Significance. Advanced modeling of protein sequence and biophysical properties (such as structural, functional, and spatial information, amino acid conservation, physicochemical variation, residue mobility, and thermodynamic stability) has been performed at Invitae for this missense variant, however the output from this modeling did not meet the statistical confidence thresholds required to predict the impact of this variant on SMARCA4 protein function. This variant has not been reported in the literature in individuals affected with SMARCA4-related conditions. This variant is present in population databases (no rsID available, gnomAD 0.003%). This sequence change replaces lysine, which is basic and polar, with arginine, which is basic and polar, at codon 399 of the SMARCA4 protein (p.Lys399Arg).

NM_003072.5(SMARCA4):c.1196A>G (p.Lys399Arg)

Gene: SMARCA4 (SWI/SNF related BAF chromatin remodeling complex subunit ATPase 4; plus strand). Cytogenetic location: 19p13.2.
Variant type: single nucleotide variant.
Coding change: c.1196A>G on transcript NM_003072.5 (MANE Select); coding-DNA position 1196, A replaced by G.
Protein change: p.Lys399Arg; replaces lysine 399 with arginine.
Molecular consequence: missense variant. On other transcripts: non-coding transcript variant (1).
Genome position (GRCh38, 1-based): chr19:10,989,394, A>G. VCF-style: chr19-10989394-A-G. GRCh37 (hg19) VCF-style: chr19-11100070-A-G.
Other names: c.1196A>G, p.Lys399Arg (NM_001128844.3, NM_001128845.2, NM_001128846.2 and 6 more transcripts); short protein forms K399R.
Identifiers: ClinVar variation 2850522 (VCV002850522.3), dbSNP rs1364132635, ClinGen allele CA404059649.